The following is an entry in ClinVar:

NM_006096.4(NDRG1):c.-19+49C>T

Gene: NDRG1 (N-myc downstream regulated 1; minus strand). Cytogenetic location: 8q24.22.
Variant type: single nucleotide variant.
Coding change: c.-19+49C>T on transcript NM_006096.4 (MANE Select); 49 bases into the intron after 19 bases upstream of the start codon, C replaced by T.
Molecular consequence: intron variant. On other transcripts: 5 prime UTR variant (2).
Genome position (GRCh38, 1-based): chr8:133,297,085, G>A on the plus strand (C>T on the coding strand, the complement: NDRG1 is on the minus strand). VCF-style: chr8-133297085-G-A. GRCh37 (hg19) VCF-style: chr8-134309328-G-A.
Other names: c.-367C>T (NM_001135242.2); c.-100C>T (NM_001374845.1); c.-100+49C>T (NM_001258432.2); c.-136+49C>T (NM_001374847.1); c.-156+49C>T (NM_001258433.2); c.-19+49C>T (NM_001374844.1).
Identifiers: ClinVar variation 674183 (VCV000674183.2), dbSNP rs2272654, ClinGen allele CA12886602.

ClinVar aggregate classification (germline): Benign. Review status: criteria provided, multiple submitters, no conflicts (2 of 4 stars). 2 submissions from 2 submitters: Benign (2). Last evaluated 2018-06-20.

Allele frequency attached by ClinVar (database versions not stated): 1000 Genomes Project 30x 0.05809; 1000 Genomes Project 0.05990; TOPMed 0.06569; gnomAD 0.06959 and 0.07002; gnomAD exomes 0.07990.
gnomAD v4.1: 10,665 of 153,020 alleles (7%); highest among the groups gnomAD compares: Non-Finnish European, 9.4%; 497 homozygotes.

Submissions (2):

GeneDx
Classification: Benign. Last evaluated: 2018-06-20. Review status: criteria provided, single submitter. Criteria: GeneDx Variant Classification (06012015). Collection method: clinical testing. Allele origin: germline. Affected: yes.
Comment: This variant is considered likely benign or benign based on one or more of the following criteria: it is a conservative change, it occurs at a poorly conserved position in the protein, it is predicted to be benign by multiple in silico algorithms, and/or has population frequency not consistent with disease.

Breakthrough Genomics
Classification: Benign. Review status: criteria provided, single submitter. Criteria: ACMG Guidelines, 2015. Collection method: not provided. Allele origin: germline. Inheritance: Autosomal recessive inheritance. Affected: yes.